The following is an entry in ClinVar:

NM_052845.4(MMAB):c.545_547dup (p.Leu182_His183insLeu)

Gene: MMAB (metabolism of cobalamin associated B; minus strand). Cytogenetic location: 12q24.11.
Variant type: Duplication.
Coding change: c.545_547dup on transcript NM_052845.4 (MANE Select); coding-DNA positions 545 to 547, 3 bases duplicated (TGC; older notation c.545_547dupTGC).
Protein change: p.Leu182_His183insLeu.
Molecular consequence: inframe insertion. On other transcripts: non-coding transcript variant (1).
Genome position (GRCh38, 1-based): chr12:109,561,077-109,561,079, GCA duplicated on the plus strand (TGC on the coding strand, the reverse complement: MMAB is on the minus strand); duplicating any 3 consecutive bases within chr12:109,561,077-109,561,081 gives the same sequence; the c. name uses the placement nearest the transcript's 3' end. VCF-style (leftmost placement, unchanged base first): chr12-109561076-T-TGCA. GRCh37 (hg19) VCF-style: chr12-109998881-T-TGCA.
Identifiers: ClinVar variation 5004673 (VCV005004673.1).
Genomic context (GRCh38, chr12:109,561,076, plus strand): 5'-TCTCCCTCTCTCCAGCCCTCTTACCGTCTCTCGGCCCGGCGGCACACGGCCCGGCAGAAA[T>TGCA]GCAGCGCCGAGCTGATCTTGCCTCCCGACTGAAAGGAGAAAGGGACATTGCCTGAGCAGG-3'

ClinVar aggregate classification (germline): Uncertain significance (1 of 4 stars; one submission).

Conditions:
Methylmalonic aciduria, cblB type (MACB). Also called: Vitamin B12-responsive methylmalonic acidemia type cblB; METHYLMALONIC ACIDURIA, VITAMIN B12-RESPONSIVE, DUE TO DEFECT IN SYNTHESIS OF ADENOSYLCOBALAMIN, cblB TYPE; Methylmalonic acidemia cblB type. Identifiers: Orphanet 28, Orphanet 79311, MedGen C1855102, MONDO:0009614, OMIM 251110.

Submission:

Myriad Genetics, Inc.
Classification: Uncertain significance for Methylmalonic aciduria, cblB type. Last evaluated: 2026-05-12. Review status: criteria provided, single submitter. Criteria: Myriad Autosomal Dominant, Autosomal Recessive and X-Linked Classification Criteria (2023). Collection method: clinical testing. Allele origin: unknown.
Comment: NM_052845.3(MMAB):c.545_547dupTGC(L182dup) is an in-frame insertion classified as a variant of uncertain significance in the context of methylmalonic acidemia, cblB type. L182dup has not been observed in cases with relevant disease. Relevant functional assessments of this variant are not available in the literature. L182dup has not been observed in referenced population frequency databases. In summary, there is insufficient evidence to classify NM_052845.3(MMAB):c.545_547dupTGC(L182dup) as pathogenic or benign. Please note: this variant was assessed in the context of healthy population screening.